The following is an entry in ClinVar:

NM_000234.3(LIG1):c.1088-3A>T

Gene: LIG1 (DNA ligase 1; minus strand). Cytogenetic location: 19q13.33.
Variant type: single nucleotide variant.
Coding change: c.1088-3A>T on transcript NM_000234.3 (MANE Select); 3 bases into the intron before coding-DNA position 1088, A replaced by T.
Molecular consequence: intron variant.
Genome position (GRCh38, 1-based): chr19:48,137,691, T>A on the plus strand (A>T on the coding strand, the complement: LIG1 is on the minus strand). VCF-style: chr19-48137691-T-A. GRCh37 (hg19) VCF-style: chr19-48640948-T-A.
Other names: c.995-3A>T (NM_001289063.2); c.998-3A>T (NM_001320971.2); c.884-3A>T (NM_001289064.2); c.1085-3A>T (NM_001320970.2).
Identifiers: ClinVar variation 1416529 (VCV001416529.3), dbSNP rs751225141, ClinGen allele CA9546955.
Genomic context (GRCh38, chr19:48,137,691, plus strand): 5'-ACCAGCCCCACGTCGCCTTTCTCGGCTGCCTCAGCCCGGACGGACTCCAGCTGCCGACCT[T>A]CAGGGGAGAGCGCGGGTGGGGGTGTCGAGGGTGACAGTTGTGGCTGCGTGTCTCCCTTCT-3'

ClinVar aggregate classification (germline): Uncertain significance (1 of 4 stars; one submission).

Allele frequency attached by ClinVar (database versions not stated): gnomAD exomes 0.00001; ExAC 0.00002; TOPMed 0.00003; gnomAD 0.00004.
gnomAD v4.1: 22 of 1,602,398 alleles (0.0014%); highest among the groups gnomAD compares: Admixed American, 0.023%; no homozygotes.

Submission:

Labcorp Genetics (formerly Invitae), Labcorp
Classification: Uncertain significance. Last evaluated: 2022-06-08. Review status: criteria provided, single submitter. Criteria: Invitae Variant Classification Sherloc (09022015). Collection method: clinical testing. Allele origin: germline.
Comment: This sequence change falls in intron 12 of the LIG1 gene. It does not directly change the encoded amino acid sequence of the LIG1 protein. It affects a nucleotide within the consensus splice site. This variant is present in population databases (rs751225141, gnomAD 0.03%). This variant has not been reported in the literature in individuals affected with LIG1-related conditions. Variants that disrupt the consensus splice site are a relatively common cause of aberrant splicing (PMID: 17576681, 9536098). Algorithms developed to predict the effect of sequence changes on RNA splicing suggest that this variant may disrupt the consensus splice site. In summary, the available evidence is currently insufficient to determine the role of this variant in disease. Therefore, it has been classified as a Variant of Uncertain Significance.

Literature cited by the submitters: PubMed 17576681; PubMed 9536098.